The following is an entry in ClinVar:

NM_152468.5(TMC8):c.665G>A (p.Arg222Gln)

Gene: TMC8 (transmembrane channel like 8; plus strand). Cytogenetic location: 17q25.3.
Variant type: single nucleotide variant.
Coding change: c.665G>A on transcript NM_152468.5 (MANE Select); coding-DNA position 665, G replaced by A.
Protein change: p.Arg222Gln; replaces arginine 222 with glutamine.
Molecular consequence: missense variant.
Genome position (GRCh38, 1-based): chr17:78,133,539, G>A. VCF-style: chr17-78133539-G-A. GRCh37 (hg19) VCF-style: chr17-76129620-G-A.
Other names: c.665G>A (NM_152468.4); short protein forms R222Q.
Identifiers: ClinVar variation 1037004 (VCV001037004.5), dbSNP rs779111855, ClinGen allele CA8796552.

ClinVar aggregate classification (germline): Conflicting classifications of pathogenicity. Review status: criteria provided, conflicting classifications (1 of 4 stars). 2 submissions from 2 submitters: Uncertain significance (1); Likely benign (1). Last evaluated 2022-08-08.

Conditions:
Inborn genetic diseases. Identifiers: MedGen C0950123, MeSH D030342.
Epidermodysplasia verruciformis. Identifiers: Orphanet 302, MedGen C0014522, MONDO:0009176.

Allele frequency attached by ClinVar (database versions not stated): TOPMed 0.00003; gnomAD 0.00004; ExAC 0.00001; gnomAD exomes 0.00002.
gnomAD v4.1: 36 of 1,611,692 alleles (0.0022%); highest among the groups gnomAD compares: African/African-American, 0.0053%; no homozygotes.

Submissions (2):

Ambry Genetics
Classification: Likely benign for Inborn genetic diseases. Last evaluated: 2022-08-08. Review status: criteria provided, single submitter. Criteria: Ambry Variant Classification Scheme 2023. Collection method: clinical testing. Allele origin: germline.

Labcorp Genetics (formerly Invitae), Labcorp
Classification: Uncertain significance for Epidermodysplasia verruciformis. Last evaluated: 2022-06-05. Review status: criteria provided, single submitter. Criteria: Invitae Variant Classification Sherloc (09022015). Collection method: clinical testing. Allele origin: germline.
Comment: This sequence change replaces arginine, which is basic and polar, with glutamine, which is neutral and polar, at codon 222 of the TMC8 protein (p.Arg222Gln). This variant is present in population databases (rs779111855, gnomAD 0.004%). This variant has not been reported in the literature in individuals affected with TMC8-related conditions. ClinVar contains an entry for this variant (Variation ID: 1037004). Algorithms developed to predict the effect of missense changes on protein structure and function output the following: SIFT: "Tolerated"; PolyPhen-2: "Benign"; Align-GVGD: "Class C0". The glutamine amino acid residue is found in multiple mammalian species, which suggests that this missense change does not adversely affect protein function. Algorithms developed to predict the effect of sequence changes on RNA splicing suggest that this variant may create or strengthen a splice site. In summary, the available evidence is currently insufficient to determine the role of this variant in disease. Therefore, it has been classified as a Variant of Uncertain Significance.